The following is an entry in ClinVar:

NM_003001.5(SDHC):c.120G>C (p.Arg40=)

Gene: SDHC (succinate dehydrogenase complex subunit C; plus strand). Cytogenetic location: 1q23.3.
Variant type: single nucleotide variant.
Coding change: c.120G>C on transcript NM_003001.5 (MANE Select); coding-DNA position 120, G replaced by C.
Protein change: p.Arg40=; no amino-acid change (arginine 40 retained).
Molecular consequence: synonymous variant. On other transcripts: non-coding transcript variant (1), intron variant (4).
Genome position (GRCh38, 1-based): chr1:161,328,438, G>C. VCF-style: chr1-161328438-G-C. GRCh37 (hg19) VCF-style: chr1-161298228-G-C.
Other names: c.120G>C, p.Arg40= (NM_001035511.3, NM_001407115.1); c.63G>C, p.Arg21= (NM_001407116.1, NM_001407117.1, NM_001407121.1); c.9G>C, p.Arg3= (NM_001407119.1, NM_001407120.1); c.77+4768G>C (NM_001035512.3, NM_001278172.3, NM_001407118.1); c.21-12156G>C (NM_001035513.3).
Identifiers: ClinVar variation 1113772 (VCV001113772.13), dbSNP rs36097930, ClinGen allele CA421408524.

ClinVar aggregate classification (germline): Benign/Likely benign. Review status: criteria provided, multiple submitters, no conflicts (2 of 4 stars). 3 submissions from 3 submitters: Benign (1); Likely benign (2). Last evaluated 2025-03-14.

Conditions:
Pheochromocytoma/paraganglioma syndrome 3. Also called: Paragangliomas 3; SDHC-Related Hereditary Paraganglioma-Pheochromocytoma Syndrome (Paragangliomas 3); SDHC-Related Hereditary Paraganglioma-Pheochromocytoma Syndrome; GLOMUS TUMORS, FAMILIAL, 3. Identifiers: Orphanet 29072, MedGen C1854336, MONDO:0011544, OMIM 605373.
Gastrointestinal stromal tumor. Also called: Gastrointestinal stroma tumor; Gastrointestinal stromal tumor, somatic. Identifiers: Orphanet 44890, MedGen C0238198, MeSH D046152, MONDO:0011719, OMIM 606764, HP:0100723.
Hereditary cancer-predisposing syndrome. Also called: Neoplastic Syndromes, Hereditary; Hereditary Cancer Syndrome; Hereditary neoplastic syndrome; Tumor predisposition. Identifiers: Orphanet 140162, MedGen C0027672, MeSH D009386, MONDO:0015356.

gnomAD v4.1: 1 of 1,613,884 alleles (0.000062%); highest among the groups gnomAD compares: Non-Finnish European, 0.000085%; no homozygotes.

Submissions (3):

Myriad Genetics, Inc.
Classification: Benign for Pheochromocytoma/paraganglioma syndrome 3. Last evaluated: 2025-03-14. Review status: criteria provided, single submitter. Criteria: Myriad Autosomal Dominant, Autosomal Recessive and X-Linked Classification Criteria (2023). Collection method: clinical testing. Allele origin: unknown.
Comment: This variant is considered benign. This variant is a silent/synonymous amino acid change and it is not expected to impact splicing.

Ambry Genetics
Classification: Likely benign for Hereditary cancer-predisposing syndrome. Last evaluated: 2022-10-11. Review status: criteria provided, single submitter. Criteria: Ambry Variant Classification Scheme 2023. Collection method: clinical testing. Allele origin: germline.

Labcorp Genetics (formerly Invitae), Labcorp
Classification: Likely benign for Pheochromocytoma/paraganglioma syndrome 3; Gastrointestinal stromal tumor. Last evaluated: 2019-07-03. Review status: criteria provided, single submitter. Criteria: Invitae Variant Classification Sherloc (09022015). Collection method: clinical testing. Allele origin: germline.